The following is an entry in ClinVar:

ClinVar aggregate classification (germline): Benign (0 of 4 stars; one submission).

Conditions:
DNAH10-related disorder. Also called: DNAH10-related condition.

Allele frequency attached by ClinVar (database versions not stated): gnomAD exomes 0.01730; ExAC 0.03425; gnomAD 0.08027; ESP Exome Variant Server 0.08360; 1000 Genomes Project 0.09225; TOPMed 0.09314; 1000 Genomes Project 30x 0.10509.
gnomAD v4.1: 38,288 of 1,613,474 alleles (2.4%); highest among the groups gnomAD compares: African/African-American, 25%; 2,695 homozygotes.

Submission:

PreventionGenetics, part of Exact Sciences
Classification: Benign for DNAH10-related condition. Last evaluated: 2019-11-07. Review status: no assertion criteria provided. Collection method: clinical testing. Allele origin: germline.
Comment: This variant is classified as benign based on ACMG/AMP sequence variant interpretation guidelines (Richards et al. 2015 PMID: 25741868, with internal and published modifications).

NM_001372106.1(DNAH10):c.8193C>T (p.His2731=)

Gene: DNAH10 (dynein axonemal heavy chain 10; plus strand). Cytogenetic location: 12q24.31.
Variant type: single nucleotide variant.
Coding change: c.8193C>T on transcript NM_001372106.1 (MANE Select); coding-DNA position 8193, C replaced by T.
Protein change: p.His2731=; no amino-acid change (histidine 2731 retained).
Molecular consequence: synonymous variant.
Genome position (GRCh38, 1-based): chr12:123,875,485, C>T. VCF-style: chr12-123875485-C-T. GRCh37 (hg19) VCF-style: chr12-124360032-C-T.
Other names: c.7839C>T, p.His2613= (NM_001083900.1, NM_207437.3).
Identifiers: ClinVar variation 3056744 (VCV003056744.2), dbSNP rs11834289, ClinGen allele CA6864683.